The following is an entry in ClinVar:

ClinVar aggregate classification (germline): Uncertain significance (1 of 4 stars; one submission).

Allele frequency attached by ClinVar (database versions not stated): gnomAD 0.00001; gnomAD exomes 0.00001; TOPMed 0.00003.
gnomAD v4.1: 7 of 1,551,890 alleles (0.00045%); highest among the groups gnomAD compares: Admixed American, 0.0098%; no homozygotes.

Submission:

Labcorp Genetics (formerly Invitae), Labcorp
Classification: Uncertain significance. Last evaluated: 2025-09-02. Review status: criteria provided, single submitter. Criteria: Invitae Variant Classification Sherloc (09022015). Collection method: clinical testing. Allele origin: germline.
Comment: This sequence change replaces serine, which is neutral and polar, with arginine, which is basic and polar, at codon 763 of the FAM65B protein (p.Ser763Arg). This variant is present in population databases (no rsID available, gnomAD 0.001%). This variant has not been reported in the literature in individuals affected with FAM65B-related conditions. ClinVar contains an entry for this variant (Variation ID: 1680491). An algorithm developed to predict the effect of missense changes on protein structure and function (PolyPhen-2) suggests that this variant is likely to be tolerated. In summary, the available evidence is currently insufficient to determine the role of this variant in disease. Therefore, it has been classified as a Variant of Uncertain Significance.

NM_001286445.3(RIPOR2):c.2226C>A (p.Ser742Arg)

Gene: RIPOR2 (RHO family interacting cell polarization regulator 2; minus strand). Cytogenetic location: 6p22.3.
Variant type: single nucleotide variant.
Coding change: c.2226C>A on transcript NM_001286445.3 (MANE Select); coding-DNA position 2226, C replaced by A.
Protein change: p.Ser742Arg; replaces serine 742 with arginine.
Molecular consequence: missense variant.
Genome position (GRCh38, 1-based): chr6:24,832,374, G>T on the plus strand (C>A on the coding strand, the complement: RIPOR2 is on the minus strand). VCF-style: chr6-24832374-G-T. GRCh37 (hg19) VCF-style: chr6-24832602-G-T.
Other names: c.2139C>A, p.Ser713Arg (NM_001346031.2, NM_001346032.2); c.2289C>A, p.Ser763Arg (NM_014722.5); short protein forms S713R, S742R, S763R.
Identifiers: ClinVar variation 1680491 (VCV001680491.8), dbSNP rs887501615, ClinGen allele CA136170757.
Genomic context (GRCh38, chr6:24,832,374, plus strand): 5'-CATCACTTGGATCTGCCTAGAAAGCTTCTCTAAGAGACTTCTTGCCACAAATGGGGTTTT[G>T]CTTGAGAAAACAATTTGCTGGTAAAACAAACAAAACTCCTGTTTCAATTATGTTGTTTTC-3'
Protein context (NP_001273374.1, residues 732-752): TQLVQQIVFS[Ser742Arg]KTPFVARSLL